The following is an entry in ClinVar:

ClinVar aggregate classification (germline): Likely pathogenic. Review status: criteria provided, multiple submitters, no conflicts (2 of 4 stars). 2 submissions from 2 submitters: Likely pathogenic (2). Last evaluated 2024-01-04.

Conditions:
Trimethylaminuria (TMAU). Also called: FISH-ODOR SYNDROME; Primary Trimethylaminuria; Fish malodor syndrome; Stale fish syndrome; TMAuria. Identifiers: MedGen C0342739, MONDO:0011182, OMIM 602079, HP:0003614. Disease mechanism: loss of function.

Allele frequency attached by ClinVar (database versions not stated): TOPMed below 0.00001; gnomAD 0.00001.

Submissions (2):

Fulgent Genetics
Classification: Likely pathogenic for Trimethylaminuria. Last evaluated: 2024-01-04. Review status: criteria provided, single submitter. Criteria: ACMG Guidelines, 2015. Collection method: clinical testing. Allele origin: germline.

Labcorp Genetics (formerly Invitae), Labcorp
Classification: Likely pathogenic. Last evaluated: 2023-10-17. Review status: criteria provided, single submitter. Criteria: Invitae Variant Classification Sherloc (09022015). Collection method: clinical testing. Allele origin: germline.
Comment: This sequence change affects a donor splice site in intron 4 of the FMO3 gene. It is expected to disrupt RNA splicing. Variants that disrupt the donor or acceptor splice site typically lead to a loss of protein function (PMID: 16199547), and loss-of-function variants in FMO3 are known to be pathogenic (PMID: 20301282). This variant is not present in population databases (gnomAD no frequency). This variant has not been reported in the literature in individuals affected with FMO3-related conditions. In summary, the currently available evidence indicates that the variant is pathogenic, but additional data are needed to prove that conclusively. Therefore, this variant has been classified as Likely Pathogenic.

Literature cited by the submitters: PubMed 16199547 (cited by Labcorp Genetics (formerly Invitae), Labcorp); PubMed 20301282 (cited by Labcorp Genetics (formerly Invitae), Labcorp).

NM_001002294.3(FMO3):c.484+2T>G

Genes: FMO3 (flavin containing dimethylaniline monoxygenase 3; plus strand), LOC126805916 (BRD4-independent group 4 enhancer GRCh37_chr1:171076844-171078043; plus strand). Cytogenetic location: 1q24.3.
Variant type: single nucleotide variant.
Coding change: c.484+2T>G on transcript NM_001002294.3 (MANE Select); the canonical splice donor site of the intron after coding-DNA position 484, T replaced by G.
Molecular consequence: splice donor variant.
Genome position (GRCh38, 1-based): chr1:171,107,839, T>G. VCF-style: chr1-171107839-T-G. GRCh37 (hg19) VCF-style: chr1-171076980-T-G.
Other names: c.295+2T>G (NM_001319174.2); c.424+2T>G (NM_001319173.2); c.484+2T>G (NM_006894.6).
Identifiers: ClinVar variation 2751924 (VCV002751924.4), dbSNP rs1185446006, ClinGen allele CA343184275.